The following is an entry in ClinVar:

NM_020928.2(ZSWIM6):c.2598A>G (p.Ser866=)

Gene: ZSWIM6 (zinc finger SWIM-type containing 6; plus strand). Cytogenetic location: 5q12.1.
Variant type: single nucleotide variant.
Coding change: c.2598A>G on transcript NM_020928.2 (MANE Select); coding-DNA position 2598, A replaced by G.
Protein change: p.Ser866=; no amino-acid change (serine 866 retained).
Molecular consequence: synonymous variant.
Genome position (GRCh38, 1-based): chr5:61,539,654, A>G. VCF-style: chr5-61539654-A-G. GRCh37 (hg19) VCF-style: chr5-60835481-A-G.
Other names: c.2598A>G (NM_020928.1).
Identifiers: ClinVar variation 1572338 (VCV001572338.9), dbSNP rs550903940, ClinGen allele CA3278462.
Genomic context (GRCh38, chr5:61,539,654, plus strand): 5'-AGGCGATGTTCGGAGGCTGGAAACAGTATTAGAATCCATCCAGAAAAACATTCACTCCTC[A>G]TCACACATCTTCAAGCTTGCCCAAGATGCATTTAAAATAGCAACTCTCATGGACAGTTTG-3'
Protein context (NP_065979.1, residues 856-876): LESIQKNIHS[Ser866=]SHIFKLAQDA

ClinVar aggregate classification (germline): Likely benign. Review status: criteria provided, single submitter (1 of 4 stars). 2 submissions from 2 submitters: Likely benign (1). 1 of the submissions does not count toward it. Last evaluated 2025-09-03.

Conditions:
ZSWIM6-related disorder. Also called: ZSWIM6-related condition.

Allele frequency attached by ClinVar (database versions not stated): gnomAD 0.00004; gnomAD exomes 0.00004 and 0.00009; ExAC 0.00022; 1000 Genomes Project 30x 0.00047; 1000 Genomes Project 0.00060.
gnomAD v4.1: 56 of 1,552,060 alleles (0.0036%); highest among the groups gnomAD compares: South Asian, 0.065%; no homozygotes.

Submissions (2):

Labcorp Genetics (formerly Invitae), Labcorp
Classification: Likely benign. Last evaluated: 2025-09-03. Review status: criteria provided, single submitter. Criteria: Invitae Variant Classification Sherloc (09022015). Collection method: clinical testing. Allele origin: germline.

PreventionGenetics, part of Exact Sciences
Classification: Likely benign for ZSWIM6-related condition. Last evaluated: 2019-06-28. Review status: no assertion criteria provided. Collection method: clinical testing. Allele origin: germline. Not counted in ClinVar's aggregate classification.
Comment: This variant is classified as likely benign based on ACMG/AMP sequence variant interpretation guidelines (Richards et al. 2015 PMID: 25741868, with internal and published modifications).